The following is an entry in ClinVar:

NM_004333.6(BRAF):c.1253A>G (p.Lys418Arg)

Gene: BRAF (B-Raf proto-oncogene, serine/threonine kinase; minus strand). Cytogenetic location: 7q34.
Variant type: single nucleotide variant.
Coding change: c.1253A>G on transcript NM_004333.6 (MANE Select); coding-DNA position 1253, A replaced by G.
Protein change: p.Lys418Arg; replaces lysine 418 with arginine.
Molecular consequence: missense variant.
Genome position (GRCh38, 1-based): chr7:140,783,082, T>C on the plus strand (A>G on the coding strand, the complement: BRAF is on the minus strand). VCF-style: chr7-140783082-T-C. GRCh37 (hg19) VCF-style: chr7-140482882-T-C.
Other names: c.1253A>G, p.Lys418Arg (NM_001354609.2, NM_001378468.1, NM_001378474.1); c.1373A>G, p.Lys458Arg (NM_001374244.1, NM_001374258.1); c.1262A>G, p.Lys421Arg (NM_001378467.1); c.1187A>G, p.Lys396Arg (NM_001378469.1); c.1151A>G, p.Lys384Arg (NM_001378470.1); c.1142A>G, p.Lys381Arg (NM_001378471.1); c.1097A>G, p.Lys366Arg (NM_001378472.1, NM_001378473.1); c.989A>G, p.Lys330Arg (NM_001378475.1); short protein forms K330R, K366R, K381R, K384R, K396R, K418R, K421R, K458R.
Identifiers: ClinVar variation 2429202 (VCV002429202.3), dbSNP rs2536185766, ClinGen allele CA369589416.

ClinVar aggregate classification (germline): Uncertain significance (1 of 4 stars; one submission).

Submission:

Women's Health and Genetics/Laboratory Corporation of America, LabCorp
Classification: Uncertain significance. Last evaluated: 2023-01-30. Review status: criteria provided, single submitter. Criteria: LabCorp Variant Classification Summary - May 2015. Collection method: clinical testing. Allele origin: germline.
Comment: Variant summary: BRAF c.1253A>G (p.Lys418Arg) results in a conservative amino acid change in the encoded protein sequence. Three of four in-silico tools predict a benign effect of the variant on protein function. The variant was absent in 251432 control chromosomes (gnomAD). The available data on variant occurrences in the general population are insufficient to allow any conclusion about variant significance. To our knowledge, no occurrence of c.1253A>G in individuals affected with Cardiofaciocutaneous Syndrome has been reported. One publication reports experimental evidence evaluating an impact on protein function, however, does not allow convincing conclusions about the variant effect (Dai_202). No clinical diagnostic laboratories have submitted clinical-significance assessments for this variant to ClinVar after 2014. Based on the evidence outlined above, the variant was classified as uncertain significance.

Literature cited by the submitters: PubMed 35045286.